The following is an entry in ClinVar:

NM_006231.4(POLE):c.2008C>G (p.Gln670Glu)

Gene: POLE (DNA polymerase epsilon, catalytic subunit; minus strand). Cytogenetic location: 12q24.33.
Variant type: single nucleotide variant.
Coding change: c.2008C>G on transcript NM_006231.4 (MANE Select); coding-DNA position 2008, C replaced by G.
Protein change: p.Gln670Glu; replaces glutamine 670 with glutamic acid.
Molecular consequence: missense variant.
Genome position (GRCh38, 1-based): chr12:132,668,653, G>C on the plus strand (C>G on the coding strand, the complement: POLE is on the minus strand). VCF-style: chr12-132668653-G-C. GRCh37 (hg19) VCF-style: chr12-133245239-G-C.
Other names: short protein forms Q670E.
Identifiers: ClinVar variation 4745571 (VCV004745571.1).

ClinVar aggregate classification (germline): Uncertain significance (1 of 4 stars; one submission).

Submission:

Labcorp Genetics (formerly Invitae), Labcorp
Classification: Uncertain significance. Last evaluated: 2025-11-03. Review status: criteria provided, single submitter. Criteria: Invitae Variant Classification Sherloc (09022015). Collection method: clinical testing. Allele origin: germline.
Comment: This sequence change replaces glutamine, which is neutral and polar, with glutamic acid, which is acidic and polar, at codon 670 of the POLE protein (p.Gln670Glu). This variant is not present in population databases (gnomAD no frequency). This variant has not been reported in the literature in individuals affected with POLE-related conditions. Invitae Evidence Modeling of protein sequence and biophysical properties (such as structural, functional, and spatial information, amino acid conservation, physicochemical variation, residue mobility, and thermodynamic stability) indicates that this missense variant is not expected to disrupt POLE protein function with a negative predictive value of 80%. In summary, the available evidence is currently insufficient to determine the role of this variant in disease. Therefore, it has been classified as a Variant of Uncertain Significance.